The following is an entry in ClinVar:

NM_001351307.2(DUXB):c.834A>G (p.Gln278=)

Gene: DUXB (double homeobox B; minus strand). Cytogenetic location: 16q23.1.
Variant type: single nucleotide variant.
Coding change: c.834A>G on transcript NM_001351307.2 (MANE Select); coding-DNA position 834, A replaced by G.
Protein change: p.Gln278=; no amino-acid change (glutamine 278 retained).
Molecular consequence: synonymous variant.
Genome position (GRCh38, 1-based): chr16:75,694,133, T>C on the plus strand (A>G on the coding strand, the complement: DUXB is on the minus strand). VCF-style: chr16-75694133-T-C. GRCh37 (hg19) VCF-style: chr16-75728031-T-C.
Other names: c.573A>G, p.Gln191= (NM_001351308.2); c.393A>G, p.Gln131= (NM_001351309.2).
Identifiers: ClinVar variation 3341656 (VCV003341656.16).

ClinVar aggregate classification (germline): Likely benign (1 of 4 stars; one submission).

gnomAD v4.1: 1,261 of 430,766 alleles (0.29%); highest among the groups gnomAD compares: Non-Finnish European, 0.28%; 6 homozygotes.

Submission:

CeGaT Center for Human Genetics Tuebingen
Classification: Likely benign. Last evaluated: 2026-05-01. Review status: criteria provided, single submitter. Criteria: CeGaT Center For Human Genetics Tuebingen Variant Classification Criteria Version 2. Collection method: clinical testing. Allele origin: germline. Affected: yes. Observed: 15 variant alleles.
Comment: DUXB: BP4, BP7